The following is an entry in ClinVar:

ClinVar aggregate classification (germline): Uncertain significance (1 of 4 stars; one submission).

Conditions:
Hereditary spastic paraplegia 62. Also called: Spastic paraplegia 62, autosomal recessive. Identifiers: Orphanet 401785, MedGen C4284588, MONDO:0014302, OMIM 615681.

Submission:

Labcorp Genetics (formerly Invitae), Labcorp
Classification: Uncertain significance for Hereditary spastic paraplegia 62. Last evaluated: 2024-02-07. Review status: criteria provided, single submitter. Criteria: Invitae Variant Classification Sherloc (09022015). Collection method: clinical testing. Allele origin: germline.
Comment: This sequence change falls in intron 3 of the ERLIN1 gene. It does not directly change the encoded amino acid sequence of the ERLIN1 protein. It affects a nucleotide within the consensus splice site. This variant is not present in population databases (gnomAD no frequency). This variant has not been reported in the literature in individuals affected with ERLIN1-related conditions. Variants that disrupt the consensus splice site are a relatively common cause of aberrant splicing (PMID: 17576681, 9536098). Algorithms developed to predict the effect of sequence changes on RNA splicing suggest that this variant may disrupt the consensus splice site. In summary, the available evidence is currently insufficient to determine the role of this variant in disease. Therefore, it has been classified as a Variant of Uncertain Significance.

Literature cited by the submitters: PubMed 17576681; PubMed 9536098.

NM_006459.4(ERLIN1):c.242+3A>C

Gene: ERLIN1 (ER lipid raft associated 1; minus strand). Cytogenetic location: 10q24.31.
Variant type: single nucleotide variant.
Coding change: c.242+3A>C on transcript NM_006459.4 (MANE Select); 3 bases into the intron after coding-DNA position 242, A replaced by C.
Molecular consequence: intron variant.
Genome position (GRCh38, 1-based): chr10:100,179,198, T>G on the plus strand (A>C on the coding strand, the complement: ERLIN1 is on the minus strand). VCF-style: chr10-100179198-T-G. GRCh37 (hg19) VCF-style: chr10-101938955-T-G.
Other names: c.242+3A>C (NM_001347857.2, NM_001100626.2, NM_001347860.2 and 2 more transcripts); c.-11+3A>C (NM_001347856.2); c.-176-3128A>C (NM_001347858.2).
Identifiers: ClinVar variation 2853693 (VCV002853693.3), dbSNP rs2492925630, ClinGen allele CA2739271017.
Genomic context (GRCh38, chr10:100,179,198, plus strand): 5'-AGCTGTAGGAACAGAAACTCTGTCTGAGCTAAAGGGAGGCTCGTAGGCAAAGAGAAAGCT[T>G]ACCTTGTTCCACAAGGCACATTTTTAACTTCATCAGTTTGTAGTGTTGTCTAGGGAGGAA-3'